The following is an entry in ClinVar:

NM_001378454.1(ALMS1):c.9922A>G (p.Ile3308Val)

Gene: ALMS1 (ALMS1 centrosome and basal body associated protein; plus strand). Cytogenetic location: 2p13.1.
Variant type: single nucleotide variant.
Coding change: c.9922A>G on transcript NM_001378454.1 (MANE Select); coding-DNA position 9922, A replaced by G.
Protein change: p.Ile3308Val; replaces isoleucine 3308 with valine.
Molecular consequence: missense variant.
Genome position (GRCh38, 1-based): chr2:73,550,281, A>G. VCF-style: chr2-73550281-A-G. GRCh37 (hg19) VCF-style: chr2-73777408-A-G.
Other names: c.9925A>G, p.Ile3309Val (NM_015120.4); short protein forms I3309V, I3308V.
Identifiers: ClinVar variation 2080503 (VCV002080503.5), dbSNP rs769863969, ClinGen allele CA1714833.
Genomic context (GRCh38, chr2:73,550,281, plus strand): 5'-TCATGTCGCTATTTGTGTTTTGTATTACTTCCCCGTTTTTCTGTAGGATCCAATGATGCC[A>G]TTGCTCCAGACTTCCCAGCTCAGGTGCTAGGCACAAGAGATGATGACCTCTCAGCCACTG-3'
Protein context (NP_001365383.1, residues 3298-3318): ESSHSGSNDA[Ile3308Val]APDFPAQVLG

ClinVar aggregate classification (germline): Uncertain significance. Review status: criteria provided, multiple submitters, no conflicts (2 of 4 stars). 3 submissions from 3 submitters: Uncertain significance (2). 1 of the submissions does not count toward it. Last evaluated 2025-10-04.

Conditions:
Alstrom syndrome (ALMS). Identifiers: Orphanet 64, MedGen C0268425, MONDO:0008763, OMIM 203800.
Retinal dystrophy. Also called: Inherited retinal dystrophy. Identifiers: Orphanet 71862, MedGen C0854723, MeSH D058499, MONDO:0019118, HP:0000556.

Allele frequency attached by ClinVar (database versions not stated): ExAC 0.00001; gnomAD exomes 0.00001; TOPMed 0.00001.
gnomAD v4.1: 13 of 1,614,126 alleles (0.00081%); highest among the groups gnomAD compares: South Asian, 0.0055%; no homozygotes.

Submissions (3):

Labcorp Genetics (formerly Invitae), Labcorp
Classification: Uncertain significance for Alstrom syndrome. Last evaluated: 2025-10-04. Review status: criteria provided, single submitter. Criteria: Invitae Variant Classification Sherloc (09022015). Collection method: clinical testing. Allele origin: germline.
Comment: This sequence change replaces isoleucine, which is neutral and non-polar, with valine, which is neutral and non-polar, at codon 3309 of the ALMS1 protein (p.Ile3309Val). This variant is present in population databases (rs769863969, gnomAD 0.01%). This variant has not been reported in the literature in individuals affected with ALMS1-related conditions. ClinVar contains an entry for this variant (Variation ID: 2080503). Experimental studies and prediction algorithms are not available or were not evaluated, and the functional significance of this variant is currently unknown. In summary, the available evidence is currently insufficient to determine the role of this variant in disease. Therefore, it has been classified as a Variant of Uncertain Significance.

GeneDx
Classification: Uncertain significance. Last evaluated: 2025-07-24. Review status: criteria provided, single submitter. Criteria: GeneDx Variant Classification Process June 2021. Collection method: clinical testing. Allele origin: germline. Affected: yes.
Comment: Not observed at significant frequency in large population cohorts (gnomAD); In silico analysis suggests that this missense variant does not alter protein structure/function; Has not been previously published as pathogenic or benign to our knowledge

Institute of Human Genetics, Univ. Regensburg, Univ. Regensburg
Classification: Uncertain significance for Retinal dystrophy. Last evaluated: 2022-01-01. Review status: no assertion criteria provided. Criteria: ACMG Guidelines, 2015. Collection method: clinical testing. Allele origin: germline. Affected: yes. Not counted in ClinVar's aggregate classification.